The following is an entry in ClinVar:

NM_031372.4(HNRNPDL):c.259C>T (p.Arg87Cys)

Gene: HNRNPDL (heterogeneous nuclear ribonucleoprotein D like; minus strand). Cytogenetic location: 4q21.22.
Variant type: single nucleotide variant.
Coding change: c.259C>T on transcript NM_031372.4 (MANE Select); coding-DNA position 259, C replaced by T.
Protein change: p.Arg87Cys; replaces arginine 87 with cysteine.
Molecular consequence: missense variant. On other transcripts: non-coding transcript variant (1).
Genome position (GRCh38, 1-based): chr4:82,429,432, G>A on the plus strand (C>T on the coding strand, the complement: HNRNPDL is on the minus strand). VCF-style: chr4-82429432-G-A. GRCh37 (hg19) VCF-style: chr4-83350585-G-A.
Other names: c.259C>T (NM_031372.3); c.259C>T, p.Arg87Cys (NM_001207000.1); short protein forms R87C.
Identifiers: ClinVar variation 1443491 (VCV001443491.8), dbSNP rs774480997, ClinGen allele CA2985097.
Genomic context (GRCh38, chr4:82,429,432, plus strand): 5'-TCCGGGTCGCGGCAGCAGCGGCGGCGGAGCGTTGTATGGAGCTGGATTTAAAATGGCGGC[G>A]GAAGAGATCCGGGCGCCGCCTGCGCCCTCCCTTTATAGCCGCCCCGCCCGCCAATCGGGA-3'
Protein context (NP_112740.1, residues 77-97): GGRRRRPDLF[Arg87Cys]RHFKSSSIQR

ClinVar aggregate classification (germline): Uncertain significance. Review status: criteria provided, multiple submitters, no conflicts (2 of 4 stars). 2 submissions from 2 submitters: Uncertain significance (2). Last evaluated 2024-06-17.

Conditions:
Autosomal dominant limb-girdle muscular dystrophy type 1G (LGMDD3). Also called: MUSCULAR DYSTROPHY, LIMB-GIRDLE, AUTOSOMAL DOMINANT 3; Limb-girdle muscular dystrophy, type 1G. Identifiers: Orphanet 55596, MedGen C1836765, MONDO:0012193, OMIM 609115.

Allele frequency attached by ClinVar (database versions not stated): gnomAD 0.00001; gnomAD exomes 0.00001 and 0.00002; ExAC 0.00002; TOPMed 0.00004.

Submissions (2):

Labcorp Genetics (formerly Invitae), Labcorp
Classification: Uncertain significance for Autosomal dominant limb-girdle muscular dystrophy type 1G. Last evaluated: 2024-06-17. Review status: criteria provided, single submitter. Criteria: Invitae Variant Classification Sherloc (09022015). Collection method: clinical testing. Allele origin: germline.
Comment: This sequence change replaces arginine, which is basic and polar, with cysteine, which is neutral and slightly polar, at codon 87 of the HNRNPDL protein (p.Arg87Cys). This variant is present in population databases (rs774480997, gnomAD 0.007%). This variant has not been reported in the literature in individuals affected with HNRNPDL-related conditions. ClinVar contains an entry for this variant (Variation ID: 1443491). An algorithm developed to predict the effect of missense changes on protein structure and function (PolyPhen-2) suggests that this variant is likely to be disruptive. In summary, the available evidence is currently insufficient to determine the role of this variant in disease. Therefore, it has been classified as a Variant of Uncertain Significance.

Ambry Genetics
Classification: Uncertain significance. Last evaluated: 2023-08-21. Review status: criteria provided, single submitter. Criteria: Ambry Variant Classification Scheme 2023. Collection method: clinical testing. Allele origin: germline.